The following is an entry in ClinVar:

NM_138395.4(MARS2):c.763G>C (p.Val255Leu)

Gene: MARS2 (methionyl-tRNA synthetase 2, mitochondrial; plus strand). Cytogenetic location: 2q33.1.
Variant type: single nucleotide variant.
Coding change: c.763G>C on transcript NM_138395.4 (MANE Select); coding-DNA position 763, G replaced by C.
Protein change: p.Val255Leu; replaces valine 255 with leucine.
Molecular consequence: missense variant.
Genome position (GRCh38, 1-based): chr2:197,706,168, G>C. VCF-style: chr2-197706168-G-C. GRCh37 (hg19) VCF-style: chr2-198570892-G-C.
Other names: short protein forms V255L.
Identifiers: ClinVar variation 1974279 (VCV001974279.5), dbSNP rs1399406742, ClinGen allele CA350213035.

ClinVar aggregate classification (germline): Uncertain significance (1 of 4 stars; one submission).

Submission:

Labcorp Genetics (formerly Invitae), Labcorp
Classification: Uncertain significance. Last evaluated: 2022-11-08. Review status: criteria provided, single submitter. Criteria: Invitae Variant Classification Sherloc (09022015). Collection method: clinical testing. Allele origin: germline.
Comment: This variant is not present in population databases (gnomAD no frequency). This sequence change replaces valine, which is neutral and non-polar, with leucine, which is neutral and non-polar, at codon 255 of the MARS2 protein (p.Val255Leu). This variant has not been reported in the literature in individuals affected with MARS2-related conditions. In summary, the available evidence is currently insufficient to determine the role of this variant in disease. Therefore, it has been classified as a Variant of Uncertain Significance. Advanced modeling of protein sequence and biophysical properties (such as structural, functional, and spatial information, amino acid conservation, physicochemical variation, residue mobility, and thermodynamic stability) performed at Invitae indicates that this missense variant is not expected to disrupt MARS2 protein function.